The following is an entry in ClinVar:

ClinVar aggregate classification (germline): Uncertain significance (1 of 4 stars; one submission).

Conditions:
Kleefstra syndrome 1 (KLEFS1). Identifiers: Orphanet 261494, MedGen C0795833, MONDO:0027407, OMIM 610253.

Allele frequency attached by ClinVar (database versions not stated): gnomAD exomes below 0.00001; TOPMed 0.00002.
gnomAD v4.1: 4 of 1,602,044 alleles (0.00025%); highest among the groups gnomAD compares: East Asian, 0.009%; no homozygotes.

Submission:

Labcorp Genetics (formerly Invitae), Labcorp
Classification: Uncertain significance for Kleefstra syndrome 1. Last evaluated: 2022-06-27. Review status: criteria provided, single submitter. Criteria: Invitae Variant Classification Sherloc (09022015). Collection method: clinical testing. Allele origin: germline.
Comment: This sequence change replaces alanine, which is neutral and non-polar, with glycine, which is neutral and non-polar, at codon 46 of the EHMT1 protein (p.Ala46Gly). This variant is not present in population databases (gnomAD no frequency). This variant has not been reported in the literature in individuals affected with EHMT1-related conditions. Algorithms developed to predict the effect of missense changes on protein structure and function output the following: SIFT: "Tolerated"; PolyPhen-2: "Benign"; Align-GVGD: "Class C0". The glycine amino acid residue is found in multiple mammalian species, which suggests that this missense change does not adversely affect protein function. In summary, the available evidence is currently insufficient to determine the role of this variant in disease. Therefore, it has been classified as a Variant of Uncertain Significance.

NM_024757.5(EHMT1):c.137C>G (p.Ala46Gly)

Gene: EHMT1 (euchromatic histone lysine methyltransferase 1; plus strand). Cytogenetic location: 9q34.3.
Variant type: single nucleotide variant.
Coding change: c.137C>G on transcript NM_024757.5 (MANE Select); coding-DNA position 137, C replaced by G.
Protein change: p.Ala46Gly; replaces alanine 46 with glycine.
Molecular consequence: missense variant.
Genome position (GRCh38, 1-based): chr9:137,716,677, C>G. VCF-style: chr9-137716677-C-G. GRCh37 (hg19) VCF-style: chr9-140611129-C-G.
Other names: c.137C>G, p.Ala46Gly (NM_001354263.2, NM_001354611.2, NM_001145527.2); c.44C>G, p.Ala15Gly (NM_001354612.2, NM_001354259.2); short protein forms A15G, A46G.
Identifiers: ClinVar variation 2011576 (VCV002011576.4), dbSNP rs1457302763, ClinGen allele CA375762443.